The following is an entry in ClinVar:

ClinVar aggregate classification (germline): Likely benign (1 of 4 stars; one submission).

gnomAD v4.1: 197 of 1,067,978 alleles (0.018%); highest among the groups gnomAD compares: Non-Finnish European, 0.023%; 22 homozygotes.

Submission:

CeGaT Center for Human Genetics Tuebingen
Classification: Likely benign. Last evaluated: 2022-07-01. Review status: criteria provided, single submitter. Criteria: CeGaT Center For Human Genetics Tuebingen Variant Classification Criteria Version 2. Collection method: clinical testing. Allele origin: germline. Affected: yes. Observed: 1 variant allele.
Comment: HLA-DQB1: BP4, BP7

NM_002123.5(HLA-DQB1):c.319T>C (p.Leu107=)

Gene: HLA-DQB1 (major histocompatibility complex, class II, DQ beta 1; minus strand). Cytogenetic location: 6p21.32.
Variant type: single nucleotide variant.
Coding change: c.319T>C on transcript NM_002123.5 (MANE Select); coding-DNA position 319, T replaced by C.
Protein change: p.Leu107=; no amino-acid change (leucine 107 retained).
Molecular consequence: synonymous variant. On other transcripts: missense variant (1).
Genome position (GRCh38, 1-based): chr6:32,664,858, A>G on the plus strand (T>C on the coding strand, the complement: HLA-DQB1 is on the minus strand). VCF-style: chr6-32664858-A-G. GRCh37 (hg19) VCF-style: chr6-32632635-A-G.
Other names: c.319T>C, p.Leu107= (NM_001243961.2); c.319G>C, p.Val107Leu (NM_001243962.1); short protein forms V107L.
Identifiers: ClinVar variation 2656472 (VCV002656472.24), dbSNP rs9274384, ClinGen allele CA3744551.